The following is an entry in ClinVar:

NM_001005361.3(DNM2):c.162-7C>A

Gene: DNM2 (dynamin 2; plus strand). Cytogenetic location: 19p13.2.
Variant type: single nucleotide variant.
Coding change: c.162-7C>A on transcript NM_001005361.3 (MANE Select); 7 bases into the intron before coding-DNA position 162, C replaced by A.
Molecular consequence: intron variant.
Genome position (GRCh38, 1-based): chr19:10,759,731, C>A. VCF-style: chr19-10759731-C-A. GRCh37 (hg19) VCF-style: chr19-10870407-C-A.
Other names: p.?; c.162-7C>A (NM_001005360.3, NM_001190716.2, NM_004945.4 and 1 more transcripts).
Identifiers: ClinVar variation 195103 (VCV000195103.24), dbSNP rs148318860, ClinGen allele CA201561.
Genomic context (GRCh38, chr19:10,759,731, plus strand): 5'-GTGGTCACACTTCCTGCCCCTCGATCCGGACGCAAGAGTAATTTCTGTCCCTCTCCCCCC[C>A]TCACAGGGACTTCCTTCCCCGCGGTTCAGGAATCGTCACCCGGCGGCCTCTCATTCTGCA-3'

ClinVar aggregate classification (germline): Benign. Review status: criteria provided, multiple submitters, no conflicts (2 of 4 stars). 7 submissions from 6 submitters: Benign (7). Last evaluated 2026-01-28.

Conditions:
Charcot-Marie-Tooth disease dominant intermediate B (CMTDIB). Also called: CHARCOT-MARIE-TOOTH NEUROPATHY, DOMINANT INTERMEDIATE B; Charcot-Marie-Tooth disease dominant intermediate 1; CMT DI1; Charcot-Marie-Tooth disease dominant intermediate I. Identifiers: Orphanet 100044, Orphanet 228179, MedGen C1847902, MONDO:0011674, OMIM 606482.
Autosomal dominant centronuclear myopathy. Also called: Myopathy, centronuclear, 3; MYOTUBULAR MYOPATHY, AUTOSOMAL DOMINANT. Identifiers: Orphanet 169189, MedGen C4551952, MeSH D020914, MONDO:0008048, OMIM 160150.

Allele frequency attached by ClinVar (database versions not stated): ESP Exome Variant Server 0.00208; TOPMed 0.00255; 1000 Genomes Project 0.00399; 1000 Genomes Project 30x 0.00500.
gnomAD v4.1: 776 of 1,614,172 alleles (0.048%); highest among the groups gnomAD compares: African/African-American, 0.9%; 6 homozygotes.

Submissions (10):

Labcorp Genetics (formerly Invitae), Labcorp
Classification: Benign for Charcot-Marie-Tooth disease dominant intermediate B. Last evaluated: 2026-01-28. Review status: criteria provided, single submitter. Criteria: Invitae Variant Classification Sherloc (09022015). Collection method: clinical testing. Allele origin: germline.

Athena Diagnostics
Classification: Benign. Last evaluated: 2025-01-14. Review status: criteria provided, single submitter. Criteria: Athena Diagnostics Criteria. Collection method: clinical testing. Allele origin: unknown.
Comment: The frequency of this variant in the general population is higher than would generally be expected for pathogenic variants in this gene. This nucleotide position exhibits low evolutionary conservation.

Mayo Clinic Laboratories, Mayo Clinic
Classification: Benign. Last evaluated: 2023-06-05. Review status: criteria provided, single submitter. Criteria: ACMG Guidelines, 2015. Collection method: clinical testing. Allele origin: germline. Observed: 6 variant alleles.

GeneDx
Classification: Benign. Last evaluated: 2019-08-26. Review status: criteria provided, single submitter. Criteria: GeneDx Variant Classification Process June 2021. Collection method: clinical testing. Allele origin: germline. Affected: yes.

Illumina Laboratory Services, Illumina
Classification: Benign for Charcot-Marie-Tooth disease dominant intermediate B. Last evaluated: 2018-01-13. Review status: criteria provided, single submitter. Criteria: ICSL Variant Classification Criteria 13 December 2019. Collection method: clinical testing. Allele origin: germline.
Comment: This variant was observed in the ICSL laboratory as part of a predisposition screen in an ostensibly healthy population. It had not been previously curated by ICSL or reported in the Human Gene Mutation Database (HGMD: prior to June 1st, 2018), and was therefore a candidate for classification through an automated scoring system. Utilizing variant allele frequency, disease prevalence and penetrance estimates, and inheritance mode, an automated score was calculated to assess if this variant is too frequent to cause the disease. Based on the score and internal cut-off values, a variant classified as benign is not then subjected to further curation. The score for this variant resulted in a classification of benign for this disease.

Illumina Laboratory Services, Illumina
Classification: Benign for Autosomal dominant centronuclear myopathy. Last evaluated: 2018-01-13. Review status: criteria provided, single submitter. Criteria: ICSL Variant Classification Criteria 13 December 2019. Collection method: clinical testing. Allele origin: germline.
Comment: the same text as in the submission from Illumina Laboratory Services, Illumina above.

Eurofins Ntd Llc (ga)
Classification: Benign. Last evaluated: 2015-01-23. Review status: criteria provided, single submitter. Criteria: EGL Classification Definitions 2015. Collection method: clinical testing. Allele origin: germline. Observed: 1 variant allele, 1 heterozygote.

Dr. Peter K. Rogan Lab, Western University
No classification provided (evidence only). Condition: Familial cancer of breast. Review status: no classification provided. Collection method: in vitro. Allele origin: not applicable. Functional consequence: retained intron. Not counted in ClinVar's aggregate classification.

Dr. Peter K. Rogan Lab, Western University
No classification provided (evidence only). Condition: Familial cancer of breast. Review status: no classification provided. Collection method: in vitro. Allele origin: not applicable. Functional consequence: retained intron. Not counted in ClinVar's aggregate classification.

Dr. Peter K. Rogan Lab, Western University
No classification provided (evidence only). Condition: Uterine corpus endometrial carcinoma. Review status: no classification provided. Collection method: in vitro. Allele origin: not applicable. Functional consequence: retained intron. Not counted in ClinVar's aggregate classification.